The following is an entry in ClinVar:

ClinVar aggregate classification (germline): Likely benign. Review status: criteria provided, multiple submitters, no conflicts (2 of 4 stars). 2 submissions from 2 submitters: Likely benign (2). Last evaluated 2021-12-31.

Conditions:
MPI-congenital disorder of glycosylation. Also called: CDG Ib; CONGENITAL DISORDER OF GLYCOSYLATION, TYPE Ib; MANNOSEPHOSPHATE ISOMERASE DEFICIENCY; PROTEIN-LOSING ENTEROPATHY-HEPATIC FIBROSIS SYNDROME; MPI DEFICIENCY; MPI-CDG. Identifiers: Orphanet 79319, MedGen C1865145, MONDO:0011257, OMIM 602579.

Allele frequency attached by ClinVar (database versions not stated): gnomAD 0.00001; gnomAD exomes 0.00001; ExAC 0.00002.
gnomAD v4.1: 9 of 1,614,072 alleles (0.00056%); highest among the groups gnomAD compares: Non-Finnish European, 0.00034%; no homozygotes.

Submissions (2):

Labcorp Genetics (formerly Invitae), Labcorp
Classification: Likely benign for MPI-congenital disorder of glycosylation. Last evaluated: 2021-12-31. Review status: criteria provided, single submitter. Criteria: Invitae Variant Classification Sherloc (09022015). Collection method: clinical testing. Allele origin: germline.

GeneDx
Classification: Likely benign. Last evaluated: 2018-06-20. Review status: criteria provided, single submitter. Criteria: GeneDx Variant Classification (06012015). Collection method: clinical testing. Allele origin: germline. Affected: yes.
Comment: This variant is considered likely benign or benign based on one or more of the following criteria: it is a conservative change, it occurs at a poorly conserved position in the protein, it is predicted to be benign by multiple in silico algorithms, and/or has population frequency not consistent with disease.

NM_002435.3(MPI):c.216C>T (p.Ser72=)

Gene: MPI (mannose phosphate isomerase; plus strand). Cytogenetic location: 15q24.1.
Variant type: single nucleotide variant.
Coding change: c.216C>T on transcript NM_002435.3 (MANE Select); coding-DNA position 216, C replaced by T.
Protein change: p.Ser72=; no amino-acid change (serine 72 retained).
Molecular consequence: synonymous variant.
Genome position (GRCh38, 1-based): chr15:74,891,450, C>T. VCF-style: chr15-74891450-C-T. GRCh37 (hg19) VCF-style: chr15-75183791-C-T.
Other names: c.216C>T, p.Ser72= (NM_001289155.2, NM_001289157.2); c.66C>T, p.Ser22= (NM_001289156.2); c.156C>T, p.Ser52= (NM_001330372.2).
Identifiers: ClinVar variation 671657 (VCV000671657.9), dbSNP rs772501173, ClinGen allele CA7662394.